The following is an entry in ClinVar:

ClinVar aggregate classification (germline): Uncertain significance (1 of 4 stars; one submission).

gnomAD v4.1: 1 of 1,609,224 alleles (0.000062%); highest among the groups gnomAD compares: Non-Finnish European, 0.000085%; no homozygotes.

Submission:

GeneDx
Classification: Uncertain significance. Last evaluated: 2024-12-15. Review status: criteria provided, single submitter. Criteria: GeneDx Variant Classification Process June 2021. Collection method: clinical testing. Allele origin: germline. Affected: yes.
Comment: Not observed at significant frequency in large population cohorts (gnomAD); In silico analysis supports that this missense variant has a deleterious effect on protein structure/function; Has not been previously published as pathogenic or benign to our knowledge

NM_022168.4(IFIH1):c.5C>G (p.Ser2Trp)

Gene: IFIH1 (interferon induced with helicase C domain 1; minus strand). Cytogenetic location: 2q24.2.
Variant type: single nucleotide variant.
Coding change: c.5C>G on transcript NM_022168.4 (MANE Select); coding-DNA position 5, C replaced by G.
Protein change: p.Ser2Trp; replaces serine 2 with tryptophan.
Molecular consequence: missense variant.
Genome position (GRCh38, 1-based): chr2:162,318,303, G>C on the plus strand (C>G on the coding strand, the complement: IFIH1 is on the minus strand). VCF-style: chr2-162318303-G-C. GRCh37 (hg19) VCF-style: chr2-163174813-G-C.
Other names: short protein forms S2W.
Identifiers: ClinVar variation 3903264 (VCV003903264.1).
Genomic context (GRCh38, chr2:162,318,303, plus strand): 5'-ACCCTGGCCCTGAAGCACGAGATGAGATAGCGGAAATTCTCGTCTGTGGAATACCCATTC[G>C]ACATCTTTCTTTCTCAGAGAAGGGAGAGGGTTCTCCCAAGCAGATGGTGCTGTTGTCTGC-3'
Protein context (NP_071451.2, residues 1-12): M[Ser2Trp]NGYSTDENFR